The following is an entry in ClinVar:

ClinVar aggregate classification (germline): Likely benign. Review status: criteria provided, multiple submitters, no conflicts (2 of 4 stars). 2 submissions from 2 submitters: Likely benign (2). Last evaluated 2023-05-01.

Allele frequency attached by ClinVar (database versions not stated): gnomAD exomes below 0.00001; TOPMed 0.00001.
gnomAD v4.1: 7 of 1,614,124 alleles (0.00043%); highest among the groups gnomAD compares: African/African-American, 0.004%; no homozygotes.

Submissions (2):

CeGaT Center for Human Genetics Tuebingen
Classification: Likely benign. Last evaluated: 2023-05-01. Review status: criteria provided, single submitter. Criteria: CeGaT Center For Human Genetics Tuebingen Variant Classification Criteria Version 2. Collection method: clinical testing. Allele origin: germline. Affected: yes. Observed: 1 variant allele.
Comment: CNGA1: PM2:Supporting, BP4, BP7

Labcorp Genetics (formerly Invitae), Labcorp
Classification: Likely benign. Last evaluated: 2022-06-27. Review status: criteria provided, single submitter. Criteria: Invitae Variant Classification Sherloc (09022015). Collection method: clinical testing. Allele origin: germline.

NM_001379270.1(CNGA1):c.1575T>C (p.Asp525=)

Genes: CNGA1 (cyclic nucleotide gated channel subunit alpha 1; minus strand), LOC101927157 (uncharacterized LOC101927157; plus strand). Cytogenetic location: 4p12.
Variant type: single nucleotide variant.
Coding change: c.1575T>C on transcript NM_001379270.1 (MANE Select); coding-DNA position 1575, T replaced by C.
Protein change: p.Asp525=; no amino-acid change (aspartic acid 525 retained).
Molecular consequence: synonymous variant.
Genome position (GRCh38, 1-based): chr4:47,936,907, A>G on the plus strand (T>C on the coding strand, the complement: CNGA1 is on the minus strand). VCF-style: chr4-47936907-A-G. GRCh37 (hg19) VCF-style: chr4-47938924-A-G.
Other names: c.1575T>C, p.Asp525= (NM_000087.5, NM_001142564.2).
Identifiers: ClinVar variation 1555989 (VCV001555989.34), dbSNP rs1402344185, ClinGen allele CA439403797.